The following is an entry in ClinVar:

ClinVar aggregate classification (germline): Likely benign (1 of 4 stars; one submission).

Submission:

CeGaT Center for Human Genetics Tuebingen
Classification: Likely benign. Last evaluated: 2023-01-01. Review status: criteria provided, single submitter. Criteria: CeGaT Center For Human Genetics Tuebingen Variant Classification Criteria Version 2. Collection method: clinical testing. Allele origin: germline. Affected: yes. Observed: 2 variant alleles.
Comment: GRTP1: BS2

NM_024719.4(GRTP1):c.466-1714_466-1713insTT

Gene: GRTP1 (growth hormone regulated TBC protein 1; minus strand). Cytogenetic location: 13q34.
Variant type: Insertion.
Coding change: c.466-1714_466-1713insTT on transcript NM_024719.4 (MANE Select); 1714 bases into the intron before coding-DNA position 466 through 1713 bases into the intron before coding-DNA position 466, TT inserted.
Molecular consequence: intron variant.
Genome position: GRCh38 VCF-style: chr13-113346672-G-GAA. GRCh37 (hg19) VCF-style: chr13-114000987-G-GAA.
Other names: c.466-1714_466-1713insTT (NM_001286733.1, NM_001286732.2); c.232-1714_232-1713insTT (NM_001411029.1).
Identifiers: ClinVar variation 2643999 (VCV002643999.24), dbSNP rs1566430712, ClinGen allele CA612715760.